The following is an entry in ClinVar:

NM_017649.5(CNNM2):c.115G>A (p.Gly39Arg)

Gene: CNNM2 (cyclin and CBS domain divalent metal cation transport mediator 2; plus strand). Cytogenetic location: 10q24.32.
Variant type: single nucleotide variant.
Coding change: c.115G>A on transcript NM_017649.5 (MANE Select); coding-DNA position 115, G replaced by A.
Protein change: p.Gly39Arg; replaces glycine 39 with arginine.
Molecular consequence: missense variant.
Genome position (GRCh38, 1-based): chr10:102,918,595, G>A. VCF-style: chr10-102918595-G-A. GRCh37 (hg19) VCF-style: chr10-104678352-G-A.
Other names: c.115G>A, p.Gly39Arg (NM_199076.3, NM_199077.3); short protein forms G39R.
Identifiers: ClinVar variation 1918583 (VCV001918583.7), dbSNP rs765571636, ClinGen allele CA5670229.

ClinVar aggregate classification (germline): Uncertain significance. Review status: criteria provided, multiple submitters, no conflicts (2 of 4 stars). 3 submissions from 3 submitters: Uncertain significance (3). Last evaluated 2026-06-26.

Conditions:
Inborn genetic diseases. Identifiers: MedGen C0950123, MeSH D030342.

Allele frequency attached by ClinVar (database versions not stated): gnomAD 0.00009; TOPMed 0.00009.
gnomAD v4.1: 27 of 1,565,588 alleles (0.0017%); highest among the groups gnomAD compares: African/African-American, 0.026%; no homozygotes.

Submissions (3):

Revvity Omics, Revvity
Classification: Uncertain significance. Last evaluated: 2026-06-26. Review status: criteria provided, single submitter. Criteria: ACMG Guidelines, 2015. Collection method: clinical testing. Allele origin: germline.

Labcorp Genetics (formerly Invitae), Labcorp
Classification: Uncertain significance. Last evaluated: 2025-08-24. Review status: criteria provided, single submitter. Criteria: Invitae Variant Classification Sherloc (09022015). Collection method: clinical testing. Allele origin: germline.
Comment: This sequence change replaces glycine, which is neutral and non-polar, with arginine, which is basic and polar, at codon 39 of the CNNM2 protein (p.Gly39Arg). This variant is present in population databases (rs765571636, gnomAD 0.03%). This variant has not been reported in the literature in individuals affected with CNNM2-related conditions. ClinVar contains an entry for this variant (Variation ID: 1918583). An algorithm developed to predict the effect of missense changes on protein structure and function (PolyPhen-2) suggests that this variant is likely to be tolerated. In summary, the available evidence is currently insufficient to determine the role of this variant in disease. Therefore, it has been classified as a Variant of Uncertain Significance.

Ambry Genetics
Classification: Uncertain significance for Inborn genetic diseases. Last evaluated: 2021-11-11. Review status: criteria provided, single submitter. Criteria: Ambry Variant Classification Scheme 2023. Collection method: clinical testing. Allele origin: germline.